The following is an entry in ClinVar:

ClinVar aggregate classification (germline): Likely pathogenic (1 of 4 stars; one submission).

Conditions:
Generalized epilepsy-paroxysmal dyskinesia syndrome (PNKD3). Also called: Generalized epilepsy and paroxysmal dyskinesia; Paroxysmal nonkinesigenic dyskinesia, 3, with or without generalized epilepsy. Identifiers: Orphanet 79137, MedGen C5574945, MONDO:0012276, OMIM 609446.

Submission:

Labcorp Genetics (formerly Invitae), Labcorp
Classification: Likely pathogenic for Generalized epilepsy-paroxysmal dyskinesia syndrome. Last evaluated: 2023-05-20. Review status: criteria provided, single submitter. Criteria: Invitae Variant Classification Sherloc (09022015). Collection method: clinical testing. Allele origin: germline.
Comment: This sequence change affects a donor splice site in intron 14 of the KCNMA1 gene. It is expected to disrupt RNA splicing. Variants that disrupt the donor or acceptor splice site typically lead to a loss of protein function (PMID: 16199547), and loss-of-function variants in KCNMA1 are known to be pathogenic (PMID: 27567911, 29545233). This variant is not present in population databases (gnomAD no frequency). This variant has not been reported in the literature in individuals affected with KCNMA1-related conditions. Algorithms developed to predict the effect of sequence changes on RNA splicing suggest that this variant may disrupt the consensus splice site. In summary, the currently available evidence indicates that the variant is pathogenic, but additional data are needed to prove that conclusively. Therefore, this variant has been classified as Likely Pathogenic.

Literature cited by the submitters: PubMed 16199547; PubMed 27567911; PubMed 29545233.

NM_001161352.2(KCNMA1):c.1749+2T>C

Gene: KCNMA1 (potassium calcium-activated channel subfamily M alpha 1; minus strand). Cytogenetic location: 10q22.3.
Variant type: single nucleotide variant.
Coding change: c.1749+2T>C on transcript NM_001161352.2 (MANE Select); the canonical splice donor site of the intron after coding-DNA position 1749, T replaced by C.
Molecular consequence: splice donor variant.
Genome position (GRCh38, 1-based): chr10:77,073,095, A>G on the plus strand (T>C on the coding strand, the complement: KCNMA1 is on the minus strand). VCF-style: chr10-77073095-A-G. GRCh37 (hg19) VCF-style: chr10-78832853-A-G.
Other names: c.1587+2T>C (NM_001271518.2); c.1749+2T>C (NM_001322832.2, NM_001410940.1, NM_001322829.2 and 8 more transcripts); c.1209+2T>C (NM_001322838.2).
Identifiers: ClinVar variation 2866161 (VCV002866161.3), dbSNP rs2550658119, ClinGen allele CA377404655.
Genomic context (GRCh38, chr10:77,073,095, plus strand): 5'-CTACTCAACCCCACGACAAATGGAATCCCGAGCTAATGTGCTCTAATAAGACGAGACGTT[A>G]CCTTTATGAATGACCTCATGGAGAAGAGGTTGGCAAGCATGGTGGAGAGGCCTTGAGCCA-3'